The following is an entry in ClinVar:

ClinVar aggregate classification (germline): Likely benign (1 of 4 stars; one submission).

Conditions:
FANCI-related disorder. Also called: FANCI-related condition.

Submission:

PreventionGenetics, part of Exact Sciences
Classification: Likely benign for FANCI-related condition. Last evaluated: 2026-06-27. Review status: criteria provided, single submitter. Criteria: ACMG Guidelines, 2015. Collection method: clinical testing. Allele origin: germline.
Comment: This variant is classified as likely benign based on ACMG/AMP sequence variant interpretation guidelines (Richards et al. 2015 PMID: 25741868, with internal and published modifications).

NM_001113378.2(FANCI):c.3817-3T>A

Gene: FANCI (FA complementation group I; plus strand). Cytogenetic location: 15q26.1.
Variant type: single nucleotide variant.
Coding change: c.3817-3T>A on transcript NM_001113378.2 (MANE Select); 3 bases into the intron before coding-DNA position 3817, T replaced by A.
Molecular consequence: intron variant.
Genome position (GRCh38, 1-based): chr15:89,315,279, T>A. VCF-style: chr15-89315279-T-A. GRCh37 (hg19) VCF-style: chr15-89858510-T-A.
Other names: c.3637-3T>A (NM_018193.3); c.3817-3T>A (NM_001376911.1); c.3538-3T>A (NM_001376910.1).
Identifiers: ClinVar variation 4995377 (VCV004995377.1).